The following is an entry in ClinVar:

ClinVar aggregate classification (germline): Pathogenic (1 of 4 stars; one submission).

Submission:

Labcorp Genetics (formerly Invitae), Labcorp
Classification: Pathogenic. Last evaluated: 2020-08-06. Review status: criteria provided, single submitter. Criteria: Invitae Variant Classification Sherloc (09022015). Collection method: clinical testing. Allele origin: germline.
Comment: This sequence change creates a premature translational stop signal (p.Ala173Cysfs*46) in the RUNX2 gene. It is expected to result in an absent or disrupted protein product. This variant is not present in population databases (ExAC no frequency). This variant has not been reported in the literature in individuals with RUNX2-related conditions. Loss-of-function variants in RUNX2 are known to be pathogenic (PMID: 10521292, 11857736). For these reasons, this variant has been classified as Pathogenic.

Literature cited by the submitters: PubMed 10521292; PubMed 11857736.

NM_001024630.4(RUNX2):c.516dup (p.Ala173fs)

Gene: RUNX2 (RUNX family transcription factor 2; plus strand). Cytogenetic location: 6p21.1.
Variant type: Duplication.
Coding change: c.516dup on transcript NM_001024630.4 (MANE Select); coding-DNA position 516, one base duplicated (T; older notation c.516dupT).
Protein change: p.Ala173fs; shifts the reading frame from alanine 173.
Molecular consequence: frameshift variant.
Genome position (GRCh38, 1-based): chr6:45,431,955, T duplicated. VCF-style (leftmost placement, unchanged base first): chr6-45431954-C-CT. GRCh37 (hg19) VCF-style: chr6-45399691-C-CT.
Other names: c.516dup, p.Ala173fs (NM_001015051.4); c.474dup, p.Ala159fs (NM_001278478.2, NM_001369405.1); short protein forms A159fs, A173fs.
Identifiers: ClinVar variation 1073566 (VCV001073566.2), dbSNP rs2150368206, ClinGen allele CA2499218320.